The following is an entry in ClinVar:

ClinVar aggregate classification (germline): Uncertain significance (1 of 4 stars; one submission).

Conditions:
Spermatogenic failure 18. Identifiers: MedGen C4539783, MONDO:0054615, OMIM 617576.
Ciliary dyskinesia, primary, 37 (CILD37). Also called: CILIARY DYSKINESIA, PRIMARY, 37, WITH OR WITHOUT SITUS INVERSUS. Identifiers: MedGen C4539798, MONDO:0033204, OMIM 617577.

Allele frequency attached by ClinVar (database versions not stated): gnomAD exomes 0.00001.

Submission:

Labcorp Genetics (formerly Invitae), Labcorp
Classification: Uncertain significance for Ciliary dyskinesia, primary, 37; Spermatogenic failure 18. Last evaluated: 2022-06-14. Review status: criteria provided, single submitter. Criteria: Invitae Variant Classification Sherloc (09022015). Collection method: clinical testing. Allele origin: germline.
Comment: Algorithms developed to predict the effect of missense changes on protein structure and function (SIFT, PolyPhen-2, Align-GVGD) all suggest that this variant is likely to be tolerated. In summary, the available evidence is currently insufficient to determine the role of this variant in disease. Therefore, it has been classified as a Variant of Uncertain Significance. This variant has not been reported in the literature in individuals affected with DNAH1-related conditions. This variant is present in population databases (no rsID available, gnomAD 0.0009%). This sequence change replaces isoleucine, which is neutral and non-polar, with valine, which is neutral and non-polar, at codon 2049 of the DNAH1 protein (p.Ile2049Val).

NM_015512.5(DNAH1):c.6145A>G (p.Ile2049Val)

Gene: DNAH1 (dynein axonemal heavy chain 1; plus strand). Cytogenetic location: 3p21.1.
Variant type: single nucleotide variant.
Coding change: c.6145A>G on transcript NM_015512.5 (MANE Select); coding-DNA position 6145, A replaced by G.
Protein change: p.Ile2049Val; replaces isoleucine 2049 with valine.
Molecular consequence: missense variant.
Genome position (GRCh38, 1-based): chr3:52,370,116, A>G. VCF-style: chr3-52370116-A-G. GRCh37 (hg19) VCF-style: chr3-52404132-A-G.
Other names: short protein forms I2049V.
Identifiers: ClinVar variation 2063195 (VCV002063195.4), dbSNP rs1179331132, ClinGen allele CA353156794.